The following is an entry in ClinVar:

LRG_286t1:c.[520G>A];[2711-4_2711-1delCCAG]

Variant type: CompoundHeterozygote.
Identifiers: ClinVar variation 1064715 (VCV001064715.3).

ClinVar aggregate classification (germline): Pathogenic (0 of 4 stars; one submission).

Conditions:
Recessive dystrophic epidermolysis bullosa (RDEB). Also called: epidermolysis bullosa dystrophica, autosomal recessive; DYSTROPHIC EPIDERMOLYSIS BULLOSA, AUTOSOMAL RECESSIVE; EPIDERMOLYSIS BULLOSA DYSTROPHICA, HALLOPEAU-SIEMENS TYPE; Hallopeau-Siemens Disease; EPIDERMOLYSIS BULLOSA DYSTROPHICA, GENERALIZED SEVERE, AUTOSOMAL RECESSIVE; Epidermolysis Bullosa Distrophica Autosomal Recessive (RDEB). Identifiers: Orphanet 79408, Orphanet 79409, MedGen C0079474, MONDO:0009179, OMIM 226600.

Submission:

Group of  Genodermatoses Investigation, Pirogov Russian National Research Medical University
Classification: Pathogenic for Recessive dystrophic epidermolysis bullosa. Last evaluated: 2019-10-01. Review status: no assertion criteria provided. Collection method: research. Allele origin: germline. Affected: yes. Observed: 1 variant allele.
Comment: SNV C/T rs1245411910; del compound heterozygosity

p. [Gly174Arg];p.[(Gly 836Ala);p.(Gly837_Pro863del)]

Literature cited by the submitters: PubMed 21448560.